The following is an entry in ClinVar:

NM_001368067.1(LDB3):c.362G>A (p.Arg121His)

Genes: LDB3 (LIM domain binding 3; plus strand), LOC110121486 (VISTA enhancer hs2143; plus strand). Cytogenetic location: 10q23.2.
Variant type: single nucleotide variant.
Coding change: c.362G>A on transcript NM_001368067.1 (MANE Plus Clinical); coding-DNA position 362, G replaced by A.
Protein change: p.Arg121His; replaces arginine 121 with histidine.
Molecular consequence: missense variant. On other transcripts: intron variant (5).
Genome position (GRCh38, 1-based): chr10:86,687,086, G>A. VCF-style: chr10-86687086-G-A. GRCh37 (hg19) VCF-style: chr10-88446843-G-A.
Other names: c.362G>A, p.Arg121His (NM_001080114.2, NM_001080116.1, NM_001368066.1 and 1 more transcripts); c.707G>A, p.Arg236His (NM_001171610.2, NM_001171611.2); c.690-4810G>A (NM_001368064.1, NM_001368063.1, NM_007078.3 and 2 more transcripts); short protein forms R236H, R121H.
Identifiers: ClinVar variation 3719425 (VCV003719425.2).
Genomic context (GRCh38, chr10:86,687,086, plus strand): 5'-TCTCCTCCCTCTCCCTGCCCGTACTCCCGCACCCCTCCCCCAGCGCCGACTACCAGGAAC[G>A]CTTCAACCCCAGTGCCCTGAAGGACTCGGCCCTGTCCACCCACAAGCCCATCGAGGTGAA-3'
Protein context (NP_001354996.1, residues 111-131): NSPANADYQE[Arg121His]FNPSALKDSA

ClinVar aggregate classification (germline): Uncertain significance (1 of 4 stars; one submission).

Conditions:
Myofibrillar myopathy 4. Also called: Zaspopathy (type). Identifiers: Orphanet 98912, MedGen C4721886, MONDO:0012277, OMIM 609452.

gnomAD v4.1: 7 of 1,614,030 alleles (0.00043%); highest among the groups gnomAD compares: East Asian, 0.0022%; no homozygotes.

Submission:

Labcorp Genetics (formerly Invitae), Labcorp
Classification: Uncertain significance for Myofibrillar myopathy 4. Last evaluated: 2024-10-12. Review status: criteria provided, single submitter. Criteria: Invitae Variant Classification Sherloc (09022015). Collection method: clinical testing. Allele origin: germline.
Comment: This sequence change replaces arginine, which is basic and polar, with histidine, which is basic and polar, at codon 121 of the LDB3 protein (p.Arg121His). This variant is present in population databases (rs758563320, gnomAD 0.003%). This variant has not been reported in the literature in individuals affected with LDB3-related conditions. An algorithm developed to predict the effect of missense changes on protein structure and function (PolyPhen-2) suggests that this variant is likely to be tolerated. In summary, the available evidence is currently insufficient to determine the role of this variant in disease. Therefore, it has been classified as a Variant of Uncertain Significance.